The following is an entry in ClinVar:

NM_001854.4(COL11A1):c.1717A>G (p.Thr573Ala)

Gene: COL11A1 (collagen type XI alpha 1 chain; minus strand). Cytogenetic location: 1p21.1.
Variant type: single nucleotide variant.
Coding change: c.1717A>G on transcript NM_001854.4 (MANE Select); coding-DNA position 1717, A replaced by G.
Protein change: p.Thr573Ala; replaces threonine 573 with alanine.
Molecular consequence: missense variant. On other transcripts: non-coding transcript variant (1).
Genome position (GRCh38, 1-based): chr1:103,006,282, T>C on the plus strand (A>G on the coding strand, the complement: COL11A1 is on the minus strand). VCF-style: chr1-103006282-T-C. GRCh37 (hg19) VCF-style: chr1-103471838-T-C.
Other names: c.1717A>G (NM_001854.3); c.1600A>G, p.Thr534Ala (NM_001190709.2); c.1753A>G, p.Thr585Ala (NM_080629.3); c.1369A>G, p.Thr457Ala (NM_080630.4); short protein forms T457A, T534A, T573A, T585A.
Identifiers: ClinVar variation 1575331 (VCV001575331.33), dbSNP rs560019202, ClinGen allele CA974856.
Genomic context (GRCh38, chr1:103,006,282, plus strand): 5'-GGCAGATGCCTTCAAAATGCACAATGAAAATAAGCCATACCCTTTTTCCAGGTTTTCCCG[T>C]TGGACCAGGGGGACCCTGGACGCCTCGAGGGCCCTATATCAAGACATCATAATTAAACCA-3'
Protein context (NP_001845.3, residues 563-583): PRGVQGPPGP[Thr573Ala]GKPGKRGRPG

ClinVar aggregate classification (germline): Benign/Likely benign. Review status: criteria provided, multiple submitters, no conflicts (2 of 4 stars). 3 submissions from 3 submitters: Benign (1); Likely benign (1). 1 of the submissions does not count toward it. Last evaluated 2025-11-13.

Conditions:
COL11A1-related disorder. Also called: COL11A1-related disorders; COL11A1-related condition.

Allele frequency attached by ClinVar (database versions not stated): gnomAD 0.00001 and 0.00007; TOPMed 0.00001; gnomAD exomes 0.00019 and 0.00042; 1000 Genomes Project 0.00040; 1000 Genomes Project 30x 0.00047; ExAC 0.00051.
gnomAD v4.1: 282 of 1,609,588 alleles (0.018%); highest among the groups gnomAD compares: South Asian, 0.29%; 2 homozygotes.

Submissions (3):

Labcorp Genetics (formerly Invitae), Labcorp
Classification: Benign. Last evaluated: 2025-11-13. Review status: criteria provided, single submitter. Criteria: Invitae Variant Classification Sherloc (09022015). Collection method: clinical testing. Allele origin: germline.

CeGaT Center for Human Genetics Tuebingen
Classification: Likely benign. Last evaluated: 2023-11-01. Review status: criteria provided, single submitter. Criteria: CeGaT Center For Human Genetics Tuebingen Variant Classification Criteria Version 2. Collection method: clinical testing. Allele origin: germline. Affected: yes. Observed: 1 variant allele.
Comment: COL11A1: BP4

PreventionGenetics, part of Exact Sciences
Classification: Likely benign for COL11A1-related condition. Last evaluated: 2023-04-20. Review status: no assertion criteria provided. Collection method: clinical testing. Allele origin: germline. Not counted in ClinVar's aggregate classification.
Comment: This variant is classified as likely benign based on ACMG/AMP sequence variant interpretation guidelines (Richards et al. 2015 PMID: 25741868, with internal and published modifications).